The following is an entry in ClinVar:

NM_001110219.3(GJB6):c.593C>T (p.Ala198Val)

Gene: GJB6 (gap junction protein beta 6; minus strand). Cytogenetic location: 13q12.11.
Variant type: single nucleotide variant.
Coding change: c.593C>T on transcript NM_001110219.3 (MANE Select); coding-DNA position 593, C replaced by T.
Protein change: p.Ala198Val; replaces alanine 198 with valine.
Molecular consequence: missense variant.
Genome position (GRCh38, 1-based): chr13:20,222,888, G>A on the plus strand (C>T on the coding strand, the complement: GJB6 is on the minus strand). VCF-style: chr13-20222888-G-A. GRCh37 (hg19) VCF-style: chr13-20797027-G-A.
Other names: c.593C>T, p.Ala198Val (NM_006783.5, NM_001110220.3, NM_001110221.3 and 3 more transcripts); short protein forms A198V.
Identifiers: ClinVar variation 1200500 (VCV001200500.3), dbSNP rs200881320, ClinGen allele CA6904411.

ClinVar aggregate classification (germline): Uncertain significance (1 of 4 stars; one submission).

Allele frequency attached by ClinVar (database versions not stated): gnomAD 0.00001; 1000 Genomes Project 0.00020; 1000 Genomes Project 30x 0.00031.
gnomAD v4.1: 24 of 1,614,006 alleles (0.0015%); highest among the groups gnomAD compares: South Asian, 0.014%; no homozygotes.

Submission:

GeneDx
Classification: Uncertain significance. Last evaluated: 2020-04-09. Review status: criteria provided, single submitter. Criteria: GeneDx Variant Classification Process June 2021. Collection method: clinical testing. Allele origin: germline. Affected: yes.
Comment: In silico analysis supports that this missense variant does not alter protein structure/function; Has not been previously published as pathogenic or benign to our knowledge